The following is an entry in ClinVar:

NM_024747.6(HPS6):c.1732C>T (p.Arg578Ter)

Gene: HPS6 (HPS6 biogenesis of lysosomal organelles complex 2 subunit 3; plus strand). Cytogenetic location: 10q24.32.
Variant type: single nucleotide variant.
Coding change: c.1732C>T on transcript NM_024747.6 (MANE Select); coding-DNA position 1732, C replaced by T.
Protein change: p.Arg578Ter; replaces arginine 578 with a stop codon.
Molecular consequence: nonsense.
Genome position (GRCh38, 1-based): chr10:102,067,206, C>T. VCF-style: chr10-102067206-C-T. GRCh37 (hg19) VCF-style: chr10-103826963-C-T.
Other names: short protein forms R578*.
Identifiers: ClinVar variation 996367 (VCV000996367.4), dbSNP rs940319528, ClinGen allele CA212201683.

ClinVar aggregate classification (germline): Pathogenic. Review status: criteria provided, single submitter (1 of 4 stars). 2 submissions from 2 submitters: Pathogenic (1). 1 of the submissions does not count toward it. Last evaluated 2023-01-24.

Conditions:
Hermansky-Pudlak syndrome 6 (HPS6). Identifiers: Orphanet 231512, Orphanet 79430, MedGen C3888007, MONDO:0013558, OMIM 614075.

Allele frequency attached by ClinVar (database versions not stated): gnomAD exomes below 0.00001.
gnomAD v4.1: 6 of 1,613,200 alleles (0.00037%); highest among the groups gnomAD compares: Non-Finnish European, 0.00051%; no homozygotes.

Submissions (2):

Labcorp Genetics (formerly Invitae), Labcorp
Classification: Pathogenic. Last evaluated: 2023-01-24. Review status: criteria provided, single submitter. Criteria: Invitae Variant Classification Sherloc (09022015). Collection method: clinical testing. Allele origin: germline.
Comment: For these reasons, this variant has been classified as Pathogenic. This variant disrupts a region of the HPS6 protein in which other variant(s) (p.Gln680*) have been determined to be pathogenic (PMID: 27225848). This suggests that this is a clinically significant region of the protein, and that variants that disrupt it are likely to be disease-causing. ClinVar contains an entry for this variant (Variation ID: 996367). This premature translational stop signal has been observed in individual(s) with Hermansky–Pudlak syndrome (PMID: 33878481). This variant is not present in population databases (gnomAD no frequency). This sequence change creates a premature translational stop signal (p.Arg578*) in the HPS6 gene. While this is not anticipated to result in nonsense mediated decay, it is expected to disrupt the last 198 amino acid(s) of the HPS6 protein.

Genetics and Prenatal Diagnosis Center, The First Affiliated Hospital of Zhengzhou University
Classification: Likely pathogenic for Hermansky-Pudlak syndrome 6. Last evaluated: 2020-11-13. Review status: no assertion criteria provided. Collection method: clinical testing. Allele origin: germline. Affected: yes. Not counted in ClinVar's aggregate classification.

Literature cited by the submitters: PubMed 27225848 (cited by Labcorp Genetics (formerly Invitae), Labcorp); PubMed 33878481 (cited by Labcorp Genetics (formerly Invitae), Labcorp).